The following is an entry in ClinVar:

NM_001354712.2(THRB):c.733T>C (p.Phe245Leu)

Genes: THRB (thyroid hormone receptor beta; minus strand), LOC126806630 (CDK7 strongly-dependent group 2 enhancer GRCh37_chr3:24184437-24185636; plus strand). Cytogenetic location: 3p24.2.
Variant type: single nucleotide variant.
Coding change: c.733T>C on transcript NM_001354712.2 (MANE Select); coding-DNA position 733, T replaced by C.
Protein change: p.Phe245Leu; replaces phenylalanine 245 with leucine.
Molecular consequence: missense variant.
Genome position (GRCh38, 1-based): chr3:24,143,506, A>G on the plus strand (T>C on the coding strand, the complement: THRB is on the minus strand). VCF-style: chr3-24143506-A-G. GRCh37 (hg19) VCF-style: chr3-24184997-A-G.
Other names: c.733T>C, p.Phe245Leu (NM_001374827.1, NM_000461.5, NM_001128176.3 and 12 more transcripts); c.640T>C, p.Phe214Leu (NM_001354714.2, NM_001354715.2); short protein forms F214L, F245L.
Identifiers: ClinVar variation 4086087 (VCV004086087.1).

ClinVar aggregate classification (germline): Uncertain significance (1 of 4 stars; one submission).

Conditions:
Thyroid hormone resistance, generalized, autosomal dominant (GRTHD). Also called: HYPERTHYROXINEMIA, FAMILIAL EUTHYROID, SECONDARY TO PITUITARY AND PERIPHERAL RESISTANCE TO THYROID HORMONES. Identifiers: MedGen C2937288, MONDO:0008569, OMIM 188570.

Submission:

Department of Endocrinology, Osaka City General Hospital
Classification: Uncertain significance for Thyroid hormone resistance, generalized, autosomal dominant. Last evaluated: 2025-09-10. Review status: criteria provided, single submitter. Criteria: ACMG Guidelines, 2015. Collection method: clinical testing. Allele origin: germline. Affected: yes.
Comment: The variant is absent from population databases including gnomAD, dbSNP, and ClinVar, supporting its rarity. Multiple in silico prediction tools (PROVEAN, SIFT, PolyPhen-2, AlphaMissense) predict a deleterious effect on protein function. Based on ACMG/AMP guidelines (PMID:25741868), this variant meets the following criteria: PM2 (absence from population databases), PP3 (computational evidence supporting a deleterious effect), and PP4 (phenotype consistent with RTHβ). Taken together, the available evidence is insufficient to classify this variant as pathogenic or benign, and it is best considered a Variant of Uncertain Significance (VUS). Date last evaluated: 2025-09-10.

Literature cited by the submitters: PubMed 9092796; PubMed 23824418.